The following is an entry in ClinVar:

NM_001457.4(FLNB):c.*592C>G

Gene: FLNB (filamin B; plus strand). Cytogenetic location: 3p14.3.
Variant type: single nucleotide variant.
Coding change: c.*592C>G on transcript NM_001457.4 (MANE Select); 592 bases downstream of the stop codon, C replaced by G.
Molecular consequence: 3 prime UTR variant.
Genome position (GRCh38, 1-based): chr3:58,171,354, C>G. VCF-style: chr3-58171354-C-G. GRCh37 (hg19) VCF-style: chr3-58157081-C-G.
Other names: c.*592C>G (NM_001164317.2, NM_001164318.2, NM_001164319.2).
Identifiers: ClinVar variation 346377 (VCV000346377.5), dbSNP rs11667, ClinGen allele CA10619323.

ClinVar aggregate classification (germline): Benign (1 of 4 stars; one submission).

Conditions:
FLNB-Related Spectrum Disorders.

Allele frequency attached by ClinVar (database versions not stated): gnomAD exomes 0.00034; TOPMed 0.01664; 1000 Genomes Project 0.01697; 1000 Genomes Project 30x 0.01983.
gnomAD v4.1: 2,295 of 155,186 alleles (1.5%); highest among the groups gnomAD compares: African/African-American, 5.2%; 55 homozygotes.

Submission:

Illumina Laboratory Services, Illumina
Classification: Benign for FLNB-Related Spectrum Disorders. Last evaluated: 2018-01-13. Review status: criteria provided, single submitter. Criteria: ICSL Variant Classification Criteria 13 December 2019. Collection method: clinical testing. Allele origin: germline.
Comment: This variant was observed in the ICSL laboratory as part of a predisposition screen in an ostensibly healthy population. It had not been previously curated by ICSL or reported in the Human Gene Mutation Database (HGMD: prior to June 1st, 2018), and was therefore a candidate for classification through an automated scoring system. Utilizing variant allele frequency, disease prevalence and penetrance estimates, and inheritance mode, an automated score was calculated to assess if this variant is too frequent to cause the disease. Based on the score and internal cut-off values, a variant classified as benign is not then subjected to further curation. The score for this variant resulted in a classification of benign for this disease.